The following is an entry in ClinVar:

ClinVar aggregate classification (germline): Conflicting classifications of pathogenicity. Review status: criteria provided, conflicting classifications (1 of 4 stars). 13 submissions from 13 submitters: Uncertain significance (12); Likely benign (1). Last evaluated 2026-01-07.

Conditions:
Progressive familial heart block. Identifiers: Orphanet 871, MedGen CN230454, MONDO:0019490.
Cardiovascular phenotype. Identifiers: MedGen CN230736.
Catecholaminergic polymorphic ventricular tachycardia 2. Also called: VENTRICULAR TACHYCARDIA, STRESS-INDUCED POLYMORPHIC 2; CASQ2-Related Catecholaminergic Polymorphic Ventricular Tachycardia. Identifiers: Orphanet 3286, MedGen C2677794, MONDO:0012762, OMIM 611938.
Catecholaminergic polymorphic ventricular tachycardia 1. Also called: VENTRICULAR TACHYCARDIA, STRESS-INDUCED POLYMORPHIC 1; VENTRICULAR TACHYCARDIA, CATECHOLAMINERGIC POLYMORPHIC, 1, WITH OR WITHOUT ATRIAL DYSFUNCTION AND/OR DILATED CARDIOMYOPATHY; RYR2-Related Catecholaminergic Polymorphic Ventricular Tachycardia. Identifiers: Orphanet 3286, MedGen C1631597, MONDO:0011484, OMIM 604772.

Allele frequency attached by ClinVar (database versions not stated): ExAC 0.00008; ESP Exome Variant Server 0.00008; gnomAD exomes 0.00008 and 0.00015; TOPMed 0.00009; gnomAD 0.00010.
gnomAD v4.1: 137 of 1,541,878 alleles (0.0089%); highest among the groups gnomAD compares: Non-Finnish European, 0.0068%; no homozygotes.

Submissions (13):

Labcorp Genetics (formerly Invitae), Labcorp
Classification: Uncertain significance for Catecholaminergic polymorphic ventricular tachycardia 1. Last evaluated: 2026-01-07. Review status: criteria provided, single submitter. Criteria: Invitae Variant Classification Sherloc (09022015). Collection method: clinical testing. Allele origin: germline.
Comment: This sequence change replaces aspartic acid, which is acidic and polar, with asparagine, which is neutral and polar, at codon 396 of the CASQ2 protein (p.Asp396Asn). This variant is present in population databases (rs368007942, gnomAD 0.1%). This variant has not been reported in the literature in individuals affected with CASQ2-related conditions. ClinVar contains an entry for this variant (Variation ID: 191439). Experimental studies and prediction algorithms are not available or were not evaluated, and the functional significance of this variant is currently unknown. In summary, the available evidence is currently insufficient to determine the role of this variant in disease. Therefore, it has been classified as a Variant of Uncertain Significance.

GeneDx
Classification: Uncertain significance. Last evaluated: 2025-01-05. Review status: criteria provided, single submitter. Criteria: GeneDx Variant Classification Process June 2021. Collection method: clinical testing. Allele origin: germline. Affected: yes.
Comment: Identified in a cohort of stillbirth cases without chromosomal abnormalities (PMID: 30615648); In silico analysis indicates that this missense variant does not alter protein structure/function; This variant is associated with the following publications: (PMID: 30615648, 38813989)

Blueprint Genetics
Classification: Uncertain significance. Last evaluated: 2024-10-14. Review status: criteria provided, single submitter. Criteria: ACMG Guidelines, 2015. Collection method: clinical testing. Allele origin: germline.

Ambry Genetics
Classification: Likely benign for Cardiovascular phenotype. Last evaluated: 2024-07-29. Review status: criteria provided, single submitter. Criteria: Ambry Variant Classification Scheme 2023. Collection method: clinical testing. Allele origin: germline.

Women's Health and Genetics/Laboratory Corporation of America, LabCorp
Classification: Uncertain significance. Last evaluated: 2023-12-04. Review status: criteria provided, single submitter. Criteria: LabCorp Variant Classification Summary - May 2015. Collection method: clinical testing. Allele origin: germline.
Comment: Variant summary: CASQ2 c.1186G>A (p.Asp396Asn) results in a conservative amino acid change in the encoded protein sequence. Three of five in-silico tools predict a benign effect of the variant on protein function. The variant allele was found at a frequency of 0.00015 in 250458 control chromosomes. This frequency is not significantly higher than estimated for a pathogenic variant in CASQ2 causing Catecholaminergic Polymorphic Ventricular Tachycardia (0.00015 vs 0.0016), allowing no conclusion about variant significance. c.1186G>A has been reported in the literature in one fetus from a cohort of stillbirth cases, however these report(s) do not provide unequivocal conclusions about association of the variant with Catecholaminergic Polymorphic Ventricular Tachycardia (Sahlin_2019). To our knowledge, no experimental evidence demonstrating an impact on protein function has been reported. The following publication has been ascertained in the context of this evaluation (PMID: 30615648). Eight submitters have cited clinical-significance assessments for this variant to ClinVar after 2014; all submitters classified the variant as uncertain significance. Based on the evidence outlined above, the variant was classified as uncertain significance.

Genome-Nilou Lab
Classification: Uncertain significance for Catecholaminergic polymorphic ventricular tachycardia 2. Last evaluated: 2023-04-11. Review status: criteria provided, single submitter. Criteria: ACMG Guidelines, 2015. Collection method: clinical testing. Allele origin: germline. Affected: no.

Petrovsky National Research Centre of Surgery, The Federal Agency for Scientific Organizations
Classification: Uncertain significance for Progressive familial heart block. Last evaluated: 2022-08-25. Review status: criteria provided, single submitter. Criteria: ACMG Guidelines, 2015. Collection method: clinical testing. Allele origin: germline. Affected: yes. Observed: 1 heterozygote.
Comment: The substitution affects highly conserved C-terminus region with no functional domains. Variant is present in Genome Aggregation Database (gnomAD) with total MAF 0.0001455. ClinVar contains entry for this variant (Variation ID: 191439). Most of in silico predictors show benign results. Bi-allelic mutations in the CASQ2 gene are the known cause of recessive form of CPVT but multiple studies describe single-heterozygous findings in the CASQ2 gene (PMID: 17655857, 20302875, 27157848) in a relation to HCM and CPVT. This variant is classified as Variant of Uncertain Significance (VUS) with the following ACMG(2015) criteria applied: PM2, BP4.

Department of Pathology and Laboratory Medicine, Sinai Health System
Classification: Uncertain significance for Catecholaminergic polymorphic ventricular tachycardia 1; Catecholaminergic polymorphic ventricular tachycardia 2. Last evaluated: 2022-06-28. Review status: criteria provided, single submitter. Criteria: ACMG Guidelines, 2015. Collection method: research. Allele origin: germline.

Revvity Omics, Revvity
Classification: Uncertain significance for Catecholaminergic polymorphic ventricular tachycardia 2. Last evaluated: 2021-11-02. Review status: criteria provided, single submitter. Criteria: ACMG Guidelines, 2015. Collection method: clinical testing. Allele origin: germline.

Fulgent Genetics
Classification: Uncertain significance for Catecholaminergic polymorphic ventricular tachycardia 1; Catecholaminergic polymorphic ventricular tachycardia 2. Last evaluated: 2021-08-19. Review status: criteria provided, single submitter. Criteria: ACMG Guidelines, 2015. Collection method: clinical testing. Allele origin: unknown.

ARUP Laboratories, Molecular Genetics and Genomics, ARUP Laboratories
Classification: Uncertain significance. Last evaluated: 2018-05-06. Review status: criteria provided, single submitter. Criteria: ARUP Molecular Germline Variant Investigation Process. Collection method: clinical testing. Allele origin: germline.
Comment: The p.Asp396Asn variant (rs368007942) has not been reported in the medical literature, gene specific variation databases, nor has it been previously identified by our laboratory. This variant is listed in the Genome Aggregation Database (gnomAD) with a frequency of 0.1 percent in the Ashkenazi Jewish population (identified on 15 out of 10,130 chromosomes) and has been reported to the ClinVar database (Variation ID: 191439). The aspartic acid at position 396 is highly conserved considering 11 species (Alamut v2.11) and computational analyses of the effects of the p.Asp396Asn variant on protein structure and function provide conflicting results (SIFT: damaging, PolyPhen-2: benign). Altogether, there is not enough evidence to classify the p.Asp396Asn variant with certainty.

Illumina Laboratory Services, Illumina
Classification: Uncertain significance for Catecholaminergic polymorphic ventricular tachycardia 2. Last evaluated: 2017-04-27. Review status: criteria provided, single submitter. Criteria: ICSL Variant Classification Criteria 13 December 2019. Collection method: clinical testing. Allele origin: germline.
Comment: This variant was observed as part of a predisposition screen in an ostensibly healthy population. A literature search was performed for the gene, cDNA change, and amino acid change (where applicable). Publications were found based on this search. However, the evidence from the literature, in combination with allele frequency data from public databases where available, was not sufficient to rule this variant in or out of causing disease. Therefore, this variant is classified as a variant of unknown significance.

Biesecker Lab/Clinical Genomics Section, National Institutes of Health
Classification: Uncertain significance. Last evaluated: 2013-06-24. Review status: criteria provided, single submitter. Criteria: Ng et al. (Circ Cardiovasc Genet. 2013). Collection method: research. Allele origin: unknown. Observed: 2 variant alleles. Study: ClinSeq.
Comment: The study set was not selected for affection status in relation to any cancer. Pathogenicity categories were based on literature curation. See Pubmed ID:23861362 for details.

Medical sequencing

Literature cited by the submitters: PubMed 28404607 (cited by Ambry Genetics); PubMed 30615648 (cited by Ambry Genetics and Women's Health and Genetics/Laboratory Corporation of America, LabCorp); PubMed 23861362 (cited by Illumina Laboratory Services, Illumina).

NM_001232.4(CASQ2):c.1186G>A (p.Asp396Asn)

Gene: CASQ2 (calsequestrin 2; minus strand). Cytogenetic location: 1p13.1.
Variant type: single nucleotide variant.
Coding change: c.1186G>A on transcript NM_001232.4 (MANE Select); coding-DNA position 1186, G replaced by A.
Protein change: p.Asp396Asn; replaces aspartic acid 396 with asparagine.
Molecular consequence: missense variant.
Genome position (GRCh38, 1-based): chr1:115,701,255, C>T on the plus strand (G>A on the coding strand, the complement: CASQ2 is on the minus strand). VCF-style: chr1-115701255-C-T. GRCh37 (hg19) VCF-style: chr1-116243876-C-T.
Other names: short protein forms D396N.
Identifiers: ClinVar variation 191439 (VCV000191439.26), dbSNP rs368007942, ClinGen allele CA236665.